The following is an entry in ClinVar:

ClinVar aggregate classification (germline): Pathogenic (1 of 4 stars; one submission).

Conditions:
Nephronophthisis 15 (NPHP15). Identifiers: Orphanet 3156, MedGen C3541853, MONDO:0013917, OMIM 614845.

Submission:

Labcorp Genetics (formerly Invitae), Labcorp
Classification: Pathogenic for Nephronophthisis 15. Last evaluated: 2024-10-10. Review status: criteria provided, single submitter. Criteria: Invitae Variant Classification Sherloc (09022015). Collection method: clinical testing. Allele origin: germline.
Comment: This sequence change creates a premature translational stop signal (p.Ala1323Serfs*67) in the CEP164 gene. It is expected to result in an absent or disrupted protein product. Loss-of-function variants in CEP164 are known to be pathogenic (PMID: 22863007, 28125082, 32367404, 34132027, 34499853). This variant is not present in population databases (gnomAD no frequency). This variant has not been reported in the literature in individuals affected with CEP164-related conditions. For these reasons, this variant has been classified as Pathogenic.

Literature cited by the submitters: PubMed 22863007; PubMed 28125082; PubMed 32367404; PubMed 34132027; PubMed 34499853.

NM_014956.5(CEP164):c.3966dup (p.Ala1323fs)

Gene: CEP164 (centrosomal protein 164; plus strand). Cytogenetic location: 11q23.3.
Variant type: Duplication.
Coding change: c.3966dup on transcript NM_014956.5 (MANE Select); coding-DNA position 3966, one base duplicated (A; older notation c.3966dupA).
Protein change: p.Ala1323fs; shifts the reading frame from alanine 1323.
Molecular consequence: frameshift variant.
Genome position (GRCh38, 1-based): chr11:117,409,835, A duplicated. VCF-style (leftmost placement, unchanged base first): chr11-117409834-C-CA. GRCh37 (hg19) VCF-style: chr11-117280550-C-CA.
Other names: c.3951dup, p.Ala1318fs (NM_001271933.2); short protein forms A1318fs, A1323fs.
Identifiers: ClinVar variation 3689307 (VCV003689307.2).